The following is an entry in ClinVar:

ClinVar aggregate classification (germline): Uncertain significance. Review status: criteria provided, multiple submitters, no conflicts (2 of 4 stars). 6 submissions from 6 submitters: Uncertain significance (6). Last evaluated 2025-10-10.

Conditions:
Congenital myopathy with fiber type disproportion. Also called: Congenital fiber-type disproportion myopathy; Congenital fiber-type disproportion. Identifiers: Orphanet 2020, MedGen C0546264, MONDO:0009711. Inheritance: all.
King Denborough syndrome (KDS). Identifiers: MedGen C1840365, MONDO:0020485, OMIM 619542.
Central core myopathy (CMYO1A). Also called: Central core disease; Myopathy, central fibrillar; CONGENITAL MYOPATHY 1A, AUTOSOMAL DOMINANT, WITH SUSCEPTIBILITY TO MALIGNANT HYPERTHERMIA. Identifiers: Orphanet 597, MedGen C5830701, MONDO:0007294, OMIM 117000.
Congenital multicore myopathy with external ophthalmoplegia (CMYO1B). Also called: Congenital myopathy 1B, autosomal recessive; Minicore myopathy; MULTIMINICORE DISEASE WITH EXTERNAL OPHTHALMOPLEGIA; MULTICORE MYOPATHY; Minicore myopathy with external ophthalmoplegia. Identifiers: Orphanet 598, Orphanet 98905, MedGen C1850674, MONDO:0009712, OMIM 255320, HP:0003789.
Malignant hyperthermia, susceptibility to, 1 (MHS1). Also called: Malignant hyperthermia suceptibility 1; Anesthesia related hyperthermia; Malignant hyperpyrexia; Fulminating hyperpyrexia; Pharmacogenic myopathy; RYR1-Related Malignant Hyperthermia Susceptibility. Identifiers: Orphanet 423, MedGen C2930980, MONDO:0007783, OMIM 145600.
Inborn genetic diseases. Identifiers: MedGen C0950123, MeSH D030342.
RYR1-related disorder. Also called: RYR1-related condition; RYR1-related disorders. Identifiers: MedGen CN239331.

Allele frequency attached by ClinVar (database versions not stated): ExAC 0.00002; gnomAD 0.00002 and 0.00003; TOPMed 0.00003; gnomAD exomes 0.00002.
gnomAD v4.1: 21 of 1,613,862 alleles (0.0013%); highest among the groups gnomAD compares: African/African-American, 0.008%; no homozygotes.

Submissions (6):

Dasa
Classification: Uncertain significance for Congenital multicore myopathy with external ophthalmoplegia. Last evaluated: 2025-10-10. Review status: criteria provided, single submitter. Criteria: DASA Assertion Criteria. Collection method: clinical testing. Allele origin: germline.
Comment: NM_000540.3(RYR1):c.2107G>A (p.Gly703Ser) is a missense variant that results in the substitution of glycine with serine. This variant is rare in population databases. The currently available literature and clinical evidence are not sufficient to establish a definitive association between this variant and the reported condition. Therefore, this variant is classified as a variant of uncertain significance.

Labcorp Genetics (formerly Invitae), Labcorp
Classification: Uncertain significance for RYR1-related disorder. Last evaluated: 2025-06-12. Review status: criteria provided, single submitter. Criteria: Invitae Variant Classification Sherloc (09022015). Collection method: clinical testing. Allele origin: germline.
Comment: This sequence change replaces glycine, which is neutral and non-polar, with serine, which is neutral and polar, at codon 703 of the RYR1 protein (p.Gly703Ser). This variant is present in population databases (rs773211015, gnomAD 0.008%). This variant has not been reported in the literature in individuals affected with RYR1-related conditions. ClinVar contains an entry for this variant (Variation ID: 452190). Invitae Evidence Modeling of protein sequence and biophysical properties (such as structural, functional, and spatial information, amino acid conservation, physicochemical variation, residue mobility, and thermodynamic stability) indicates that this missense variant is not expected to disrupt RYR1 protein function with a negative predictive value of 95%. In summary, the available evidence is currently insufficient to determine the role of this variant in disease. Therefore, it has been classified as a Variant of Uncertain Significance.

Ambry Genetics
Classification: Uncertain significance for Inborn genetic diseases. Last evaluated: 2025-02-19. Review status: criteria provided, single submitter. Criteria: Ambry Variant Classification Scheme 2023. Collection method: clinical testing. Allele origin: germline.

Fulgent Genetics
Classification: Uncertain significance for Central core myopathy; Malignant hyperthermia, susceptibility to, 1; Congenital myopathy 4A, autosomal dominant; Congenital multicore myopathy with external ophthalmoplegia; King Denborough syndrome. Last evaluated: 2022-02-14. Review status: criteria provided, single submitter. Criteria: ACMG Guidelines, 2015. Collection method: clinical testing. Allele origin: unknown.

Revvity Omics, Revvity
Classification: Uncertain significance. Last evaluated: 2020-03-15. Review status: criteria provided, single submitter. Criteria: ACMG Guidelines, 2015. Collection method: clinical testing. Allele origin: germline.

GeneDx
Classification: Uncertain significance. Last evaluated: 2019-01-21. Review status: criteria provided, single submitter. Criteria: GeneDx Variant Classification (06012015). Collection method: clinical testing. Allele origin: germline. Affected: yes.
Comment: The G703S variant has not been published as a pathogenic variant, nor has it been reported as a benign variant to our knowledge. The G703S variant is not observed at a significant frequency in large population cohorts (Lek et al., 2016; 1000 Genomes Consortium et al., 2015; Exome Variant Server). The G703S variant is a non-conservative amino acid substitution, which is likely to impact secondary protein structure as these residues differ in polarity, charge, size and/or other properties. This substitution occurs at a position that is conserved across species. In silico analysis predicts this variant is probably damaging to the protein structure/function. In summary, based on the currently available information, it is unclear whether this variant is a pathogenic variant or a rare benign variant.

NM_000540.3(RYR1):c.2107G>A (p.Gly703Ser)

Gene: RYR1 (ryanodine receptor 1; plus strand). Cytogenetic location: 19q13.2.
Variant type: single nucleotide variant.
Coding change: c.2107G>A on transcript NM_000540.3 (MANE Select); coding-DNA position 2107, G replaced by A.
Protein change: p.Gly703Ser; replaces glycine 703 with serine.
Molecular consequence: missense variant.
Genome position (GRCh38, 1-based): chr19:38,458,232, G>A. VCF-style: chr19-38458232-G-A. GRCh37 (hg19) VCF-style: chr19-38948872-G-A.
Other names: c.2107G>A, p.Gly703Ser (NM_001042723.2); short protein forms G703S.
Identifiers: ClinVar variation 452190 (VCV000452190.15), dbSNP rs773211015, ClinGen allele CA062837.